The following is an entry in ClinVar:

NM_003647.3(DGKE):c.32C>A (p.Ser11Ter)

Gene: DGKE (diacylglycerol kinase epsilon; plus strand). Cytogenetic location: 17q22.
Variant type: single nucleotide variant.
Coding change: c.32C>A on transcript NM_003647.3 (MANE Select); coding-DNA position 32, C replaced by A.
Protein change: p.Ser11Ter; replaces serine 11 with a stop codon.
Molecular consequence: nonsense.
Genome position (GRCh38, 1-based): chr17:56,834,827, C>A. VCF-style: chr17-56834827-C-A. GRCh37 (hg19) VCF-style: chr17-54912188-C-A.
Other names: short protein forms S11*.
Identifiers: ClinVar variation 50789 (VCV000050789.3), dbSNP rs148605410, ClinGen allele CA143787.

ClinVar aggregate classification (germline): Pathogenic, low penetrance. Review status: criteria provided, single submitter (1 of 4 stars). 3 submissions from 3 submitters: Pathogenic, low penetrance (1). 2 of the submissions do not count toward it. Last evaluated 2025-09-26.

Conditions:
Hemolytic uremic syndrome, atypical, susceptibility to, 7. Also called: AHUS, SUSCEPTIBILITY TO, 7. Identifiers: MedGen C3808620, MONDO:0100590.
Atypical hemolytic-uremic syndrome. Identifiers: Orphanet 2134, MedGen C2931788, MONDO:0016244.

Allele frequency attached by ClinVar (database versions not stated): gnomAD exomes below 0.00001.
gnomAD v4.1: 6 of 1,607,468 alleles (0.00037%); highest among the groups gnomAD compares: African/African-American, 0.0013%; no homozygotes.

Submissions (3):

Genomenon, Inc
Classification: Pathogenic, low penetrance for Atypical hemolytic-uremic syndrome. Last evaluated: 2025-09-26. Review status: criteria provided, single submitter. Criteria: Genomenon Sequence Variant Interpretation Standards - Updated. Collection method: curation. Allele origin: germline. Affected: yes.
Comment: DGKE p.Ser11Ter (c.32C>A) is a nonsense variant that introduces a premature stop codon at amino acid position 11, creating a truncated protein that may be subject to nonsense-mediated mRNA decay. This variant has been observed in at least one proband affected with atypical hemolytic-uremic syndrome (PMID:23542698). It is absent or not present at a significant frequency in gnomAD. In conclusion, we classify DGKE p.Ser11Ter (c.32C>A) as a pathogenic, low penetrance variant.

OMIM
Classification: risk factor for HEMOLYTIC UREMIC SYNDROME, ATYPICAL, SUSCEPTIBILITY TO, 7. Last evaluated: 2013-05-01. Review status: no assertion criteria provided. Collection method: literature only. Allele origin: germline. Not counted in ClinVar's aggregate classification.

Richard Lifton Laboratory, Yale University School of Medicine
Classification: Likely pathogenic for Atypical hemolytic uremic syndrome. Review status: no assertion criteria provided. Collection method: not provided. Allele origin: germline. Not counted in ClinVar's aggregate classification.
Comment: Autosomal recessive variant
ClinVar note: Converted during submission from probable-pathogenic to Likely pathogenic.

Literature cited by the submitters: PubMed 23542698 (cited by Genomenon, Inc and OMIM); PubMed 24747643 (cited by Richard Lifton Laboratory, Yale University School of Medicine).